The following is an entry in ClinVar:

NM_020408.6(LYRM4):c.208-29235A>G

Genes: LYRM4 (LYR motif containing 4; minus strand), LYRM4-AS1 (LYRM4 antisense RNA 1; plus strand). Cytogenetic location: 6p25.1.
Variant type: single nucleotide variant.
Coding change: c.208-29235A>G on transcript NM_020408.6 (MANE Select); 29235 bases into the intron before coding-DNA position 208, A replaced by G.
Molecular consequence: intron variant. On other transcripts: 3 prime UTR variant (1).
Genome position (GRCh38, 1-based): chr6:5,138,726, T>C on the plus strand (A>G on the coding strand, the complement: LYRM4 is on the minus strand). VCF-style: chr6-5138726-T-C. GRCh37 (hg19) VCF-style: chr6-5138960-T-C.
Other names: c.*8A>G (NM_001318782.1); c.208-70060A>G (NM_001318783.1); c.*41+5412A>G (NM_001164841.3).
Identifiers: ClinVar variation 3031832 (VCV003031832.2), dbSNP rs1244396306, ClinGen allele CA825666070.

ClinVar aggregate classification (germline): Likely benign (0 of 4 stars; one submission).

Conditions:
LYRM4-related disorder. Also called: LYRM4-related condition.

Allele frequency attached by ClinVar (database versions not stated): gnomAD 0.00001; gnomAD exomes 0.00001.
gnomAD v4.1: 11 of 1,532,842 alleles (0.00072%); highest among the groups gnomAD compares: Non-Finnish European, 0.00096%; no homozygotes.

Submission:

PreventionGenetics, part of Exact Sciences
Classification: Likely benign for LYRM4-related condition. Last evaluated: 2020-10-30. Review status: no assertion criteria provided. Collection method: clinical testing. Allele origin: germline.
Comment: This variant is classified as likely benign based on ACMG/AMP sequence variant interpretation guidelines (Richards et al. 2015 PMID: 25741868, with internal and published modifications).